The following is an entry in ClinVar:

NM_004385.5(VCAN):c.9883G>A (p.Ala3295Thr)

Gene: VCAN (versican; plus strand). Cytogenetic location: 5q14.3.
Variant type: single nucleotide variant.
Coding change: c.9883G>A on transcript NM_004385.5 (MANE Select); coding-DNA position 9883, G replaced by A.
Protein change: p.Ala3295Thr; replaces alanine 3295 with threonine.
Molecular consequence: missense variant.
Genome position (GRCh38, 1-based): chr5:83,579,982, G>A. VCF-style: chr5-83579982-G-A. GRCh37 (hg19) VCF-style: chr5-82875801-G-A.
Other names: c.1660G>A, p.Ala554Thr (NM_001126336.3); c.6922G>A, p.Ala2308Thr (NM_001164097.2); c.4621G>A, p.Ala1541Thr (NM_001164098.2); short protein forms A2308T, A3295T, A554T, A1541T.
Identifiers: ClinVar variation 3650998 (VCV003650998.2).

ClinVar aggregate classification (germline): Uncertain significance (1 of 4 stars; one submission).

Submission:

Labcorp Genetics (formerly Invitae), Labcorp
Classification: Uncertain significance. Last evaluated: 2024-04-25. Review status: criteria provided, single submitter. Criteria: Invitae Variant Classification Sherloc (09022015). Collection method: clinical testing. Allele origin: germline.
Comment: This sequence change replaces alanine, which is neutral and non-polar, with threonine, which is neutral and polar, at codon 3295 of the VCAN protein (p.Ala3295Thr). This variant is not present in population databases (gnomAD no frequency). This variant has not been reported in the literature in individuals affected with VCAN-related conditions. An algorithm developed to predict the effect of missense changes on protein structure and function (PolyPhen-2) suggests that this variant is likely to be disruptive. In summary, the available evidence is currently insufficient to determine the role of this variant in disease. Therefore, it has been classified as a Variant of Uncertain Significance.